The following is an entry in ClinVar:

ClinVar aggregate classification (germline): Uncertain significance (1 of 4 stars; one submission).

Conditions:
Familial temporal lobe epilepsy 8. Identifiers: Orphanet 101046, MedGen C4225318, MONDO:0014650, OMIM 616461.

Submission:

Labcorp Genetics (formerly Invitae), Labcorp
Classification: Uncertain significance for Familial temporal lobe epilepsy 8. Last evaluated: 2019-12-27. Review status: criteria provided, single submitter. Criteria: Invitae Variant Classification Sherloc (09022015). Collection method: clinical testing. Allele origin: germline.
Comment: In summary, the available evidence is currently insufficient to determine the role of this variant in disease. Therefore, it has been classified as a Variant of Uncertain Significance. Algorithms developed to predict the effect of missense changes on protein structure and function are either unavailable or do not agree on the potential impact of this missense change (SIFT: "Not Available"; PolyPhen-2: "Benign"; Align-GVGD: "Not Available"). This variant has not been reported in the literature in individuals with GAL-related conditions. This variant is not present in population databases (ExAC no frequency). This sequence change replaces proline with arginine at codon 112 of the GAL protein (p.Pro112Arg). The proline residue is highly conserved and there is a moderate physicochemical difference between proline and arginine.

NM_015973.5(GAL):c.335C>G (p.Pro112Arg)

Gene: GAL (galanin and GMAP prepropeptide; plus strand). Cytogenetic location: 11q13.2.
Variant type: single nucleotide variant.
Coding change: c.335C>G on transcript NM_015973.5 (MANE Select); coding-DNA position 335, C replaced by G.
Protein change: p.Pro112Arg; replaces proline 112 with arginine.
Molecular consequence: missense variant.
Genome position (GRCh38, 1-based): chr11:68,690,950, C>G. VCF-style: chr11-68690950-C-G. GRCh37 (hg19) VCF-style: chr11-68458418-C-G.
Other names: short protein forms P112R.
Identifiers: ClinVar variation 837648 (VCV000837648.8), dbSNP rs1945899167, ClinGen allele CA381627883.